The following is an entry in ClinVar:

ClinVar aggregate classification (germline): Benign/Likely benign. Review status: criteria provided, multiple submitters, no conflicts (2 of 4 stars). 4 submissions from 4 submitters: Benign (1); Likely benign (3). Last evaluated 2024-04-27.

Conditions:
Familial adenomatous polyposis 1 (FAP1). Also called: POLYPOSIS, ADENOMATOUS INTESTINAL; FAMILIAL ADENOMATOUS POLYPOSIS 1, ATTENUATED. Identifiers: MedGen C2713442, MONDO:0021056, OMIM 175100. Disease mechanism: loss of function.
Hereditary cancer-predisposing syndrome. Also called: Hereditary Cancer Syndrome; Neoplastic Syndromes, Hereditary; Tumor predisposition; Hereditary neoplastic syndrome. Identifiers: Orphanet 140162, MedGen C0027672, MeSH D009386, MONDO:0015356.

Submissions (4):

Labcorp Genetics (formerly Invitae), Labcorp
Classification: Likely benign for Familial adenomatous polyposis 1. Last evaluated: 2024-04-27. Review status: criteria provided, single submitter. Criteria: Invitae Variant Classification Sherloc (09022015). Collection method: clinical testing. Allele origin: germline.

Myriad Genetics, Inc.
Classification: Benign for Familial adenomatous polyposis 1. Last evaluated: 2024-04-09. Review status: criteria provided, single submitter. Criteria: Myriad Autosomal Dominant, Autosomal Recessive and X-Linked Classification Criteria (2023). Collection method: clinical testing. Allele origin: unknown.
Comment: This variant is considered benign. This variant is a silent/synonymous amino acid change and it is not expected to impact splicing.

Ambry Genetics
Classification: Likely benign for Hereditary cancer-predisposing syndrome. Last evaluated: 2021-01-26. Review status: criteria provided, single submitter. Criteria: Ambry Variant Classification Scheme 2023. Collection method: clinical testing. Allele origin: germline.

Color Diagnostics, LLC DBA Color Health
Classification: Likely benign for Hereditary cancer-predisposing syndrome. Last evaluated: 2017-02-26. Review status: criteria provided, single submitter. Criteria: ACMG Guidelines, 2015. Collection method: clinical testing. Allele origin: germline.

NM_000038.6(APC):c.7110T>G (p.Gly2370=)

Gene: APC (APC regulator of Wnt signaling pathway; plus strand). Cytogenetic location: 5q22.2.
Variant type: single nucleotide variant.
Coding change: c.7110T>G on transcript NM_000038.6 (MANE Select); coding-DNA position 7110, T replaced by G.
Protein change: p.Gly2370=; no amino-acid change (glycine 2370 retained).
Molecular consequence: synonymous variant.
Genome position (GRCh38, 1-based): chr5:112,842,704, T>G. VCF-style: chr5-112842704-T-G. GRCh37 (hg19) VCF-style: chr5-112178401-T-G.
Other names: c.7110T>G, p.Gly2370= (NM_001127510.3, NM_001354895.2); c.7056T>G, p.Gly2352= (NM_001127511.3); c.7164T>G, p.Gly2388= (NM_001354896.2); c.7140T>G, p.Gly2380= (NM_001354897.2); c.7035T>G, p.Gly2345= (NM_001354898.2); c.7026T>G, p.Gly2342= (NM_001354899.2); c.6987T>G, p.Gly2329= (NM_001354900.2); c.6933T>G, p.Gly2311= (NM_001354901.2); and 5 more.
Identifiers: ClinVar variation 490354 (VCV000490354.14), dbSNP rs1554088015, ClinGen allele CA446210080.